The following is an entry in ClinVar:

NM_000551.4(VHL):c.340+622G>A

Genes: VHL (von Hippel-Lindau tumor suppressor; plus strand), LOC107303340 (3p25 von Hippel-Lindau tumor suppressor, E3 ubiquitin protein ligase Alu-mediated recombination region; plus strand). Cytogenetic location: 3p25.3.
Variant type: single nucleotide variant.
Coding change: c.340+622G>A on transcript NM_000551.4 (MANE Select); 622 bases into the intron after coding-DNA position 340, G replaced by A.
Molecular consequence: intron variant. On other transcripts: synonymous variant (1).
Genome position (GRCh38, 1-based): chr3:10,142,809, G>A. VCF-style: chr3-10142809-G-A. GRCh37 (hg19) VCF-style: chr3-10184493-G-A.
Other names: c.387G>A, p.Val129= (NM_001354723.2); c.340+622G>A (NM_198156.3).
Identifiers: ClinVar variation 1345401 (VCV001345401.8), dbSNP rs2125125888, ClinGen allele CA2573136098.
Genomic context (GRCh38, chr3:10,142,809, plus strand): 5'-CCCCATCTGTTCAGTCCTCATGACTCCAGTGGGCCAGTTCTGCGTAGTCCCTGCCCTCGT[G>A]GAGAACACATTCCTCCTGGGGAGACTGACAGATGCAAAGACAGGAACAAGCCAGGGTCAT-3'

ClinVar aggregate classification (germline): Uncertain significance (1 of 4 stars; one submission).

Conditions:
Von Hippel-Lindau syndrome (VHLS). Also called: Von Hippel-Lindau; VHL syndrome; von Hippel–Lindau syndrome. Identifiers: Orphanet 892, MedGen C0019562, MONDO:0008667, OMIM 193300. Disease mechanism: loss of function.
Chuvash polycythemia. Also called: POLYCYTHEMIA, VHL-DEPENDENT. Identifiers: Orphanet 238557, MedGen C1837915, MONDO:0009892, OMIM 263400.

Submission:

Labcorp Genetics (formerly Invitae), Labcorp
Classification: Uncertain significance for Von Hippel-Lindau syndrome; Chuvash polycythemia. Last evaluated: 2024-05-13. Review status: criteria provided, single submitter. Criteria: Invitae Variant Classification Sherloc (09022015). Collection method: clinical testing. Allele origin: germline.
Comment: This sequence change falls in intron 1 of the VHL gene. It is not expected to change the encoded amino acid sequence of the VHL protein. However, this sequence change falls within a cryptic exon in the VHL gene, known as exon E1’, which is naturally expressed at low levels in several human tissues (PMID: 29891534). This variant is not present in population databases (gnomAD no frequency). This variant has not been reported in the literature in individuals affected with VHL-related conditions. ClinVar contains an entry for this variant (Variation ID: 1345401). Algorithms developed to predict the effect of sequence changes on RNA splicing suggest that this variant is not likely to affect RNA splicing. In summary, the available evidence is currently insufficient to determine the role of this variant in disease. Therefore, it has been classified as a Variant of Uncertain Significance.

Literature cited by the submitters: PubMed 29891534.